The following is an entry in ClinVar:

ClinVar aggregate classification (germline): Pathogenic. Review status: criteria provided, multiple submitters, no conflicts (2 of 4 stars). 4 submissions from 4 submitters: Pathogenic (4). Last evaluated 2025-12-29.

Conditions:
Cardiovascular phenotype. Identifiers: MedGen CN230736.
Hypertrophic cardiomyopathy 1 (CMH1). Also called: Familial hypertrophic cardiomyopathy 1; MYH7-Related Familial Hypertrophic Cardiomyopathy. Identifiers: MedGen C3495498, MONDO:0008647, OMIM 192600.
Hypertrophic cardiomyopathy. Also called: HYPERTROPHIC MYOCARDIOPATHY. Identifiers: Orphanet 217569, MedGen C0007194, MeSH D002312, MONDO:0005045, HP:0001639.

Allele frequency attached by ClinVar (database versions not stated): gnomAD exomes below 0.00001.

Submissions (4):

Ambry Genetics
Classification: Pathogenic for Cardiovascular phenotype. Last evaluated: 2025-12-29. Review status: criteria provided, single submitter. Criteria: Ambry Variant Classification Scheme 2023. Collection method: clinical testing. Allele origin: germline.
Comment: The c.1359delT pathogenic mutation, located in coding exon 16 of the MYBPC3 gene, results from a deletion of one nucleotide at nucleotide position 1359, causing a translational frameshift with a predicted alternate stop codon (p.V454Cfs*12). This variant was reported in individual(s) with features consistent with hypertrophic cardiomyopathy (HCM) (Singh SR et al. Circ Heart Fail, 2017 Oct;10:; Ross SB et al. Circ Cardiovasc Genet, 2017 Jun;10:; Walsh R et al. Genet Med, 2017 Feb;19:192-203; J&auml;&auml;skel&auml;inen P et al. ESC Heart Fail, 2019 Apr;6:436-445; Stafford F et al. Genome Med, 2022 Dec;14:145). This variant is considered to be rare based on population cohorts in the Genome Aggregation Database (gnomAD). This alteration is expected to result in loss of function by premature protein truncation or nonsense-mediated mRNA decay. As such, this alteration is interpreted as a disease-causing mutation.

Labcorp Genetics (formerly Invitae), Labcorp
Classification: Pathogenic for Hypertrophic cardiomyopathy. Last evaluated: 2023-06-13. Review status: criteria provided, single submitter. Criteria: Invitae Variant Classification Sherloc (09022015). Collection method: clinical testing. Allele origin: germline.
Comment: This premature translational stop signal has been observed in individual(s) with hypertrophic cardiomyopathy (PMID: 25351510, 27532257). For these reasons, this variant has been classified as Pathogenic. ClinVar contains an entry for this variant (Variation ID: 217835). This variant is not present in population databases (gnomAD no frequency). This sequence change creates a premature translational stop signal (p.Val454Cysfs*12) in the MYBPC3 gene. It is expected to result in an absent or disrupted protein product. Loss-of-function variants in MYBPC3 are known to be pathogenic (PMID: 19574547).

Laboratory for Molecular Medicine, Mass General Brigham Personalized Medicine
Classification: Pathogenic for Hypertrophic cardiomyopathy. Last evaluated: 2019-10-14. Review status: criteria provided, single submitter. Criteria: ACMG Guidelines, 2015. Collection method: clinical testing. Allele origin: germline.
Comment: The p.Val454CysfsX12 variant in MYBPC3 has been reported in 3 individuals with hypertrophic cardiomyopathy and segregated with disease in 2 family members (Lopes 2015, Walsh 2017, Ross 2017). It was absent from large population studies but has been reported in ClinVar (Variation ID 217835). This variant is predicted to cause a frameshift, which alters the protein’s amino acid sequence beginning at position 454 and leads to a premature termination codon 12 amino acids downstream. This alteration is then predicted to lead to a truncated or absent protein. Loss of function of the MYBPC3 gene is an established disease mechanism in autosomal dominant HCM. In summary, this variant meets criteria to be classified as pathogenic for autosomal dominant HCM. ACMG/AMP Criteria applied: PVS1, PM2, PS4_Supporting.

Agnes Ginges Centre for Molecular Cardiology, Centenary Institute
Classification: Pathogenic for Hypertrophic cardiomyopathy 1. Last evaluated: 2015-05-01. Review status: criteria provided, single submitter. Criteria: Agnes Ginges Centre for Molecular Cardiology criteria (2015). Collection method: research. Allele origin: germline. Inheritance: Autosomal dominant inheritance. Affected: yes.
Comment: This MYBPC3 Val454Cysfs*12 variant is predicted to cause a frameshift starting at codon 454, and lead to a premature stop codon 11 amino acids downstream. Co-segregation data from our laboratory showed that 3 affected individuals in the family all carried the variant. This frameshift variant is not reported in the literature and is not present in both the 1000 genomes project, and the Exome Aggregation Consortium dataset. Based on its absence in the general population. familial segregation of the variant with disease in our family, and that loss-of-function mutations in the MYBPC3 gene are an established mechanism of disease in HCM, this variant is categorised by our group as "pathogenic".

Literature cited by the submitters: PubMed 27532257 (cited by 3 submitters); PubMed 28615295 (cited by Ambry Genetics and Laboratory for Molecular Medicine, Mass General Brigham Personalized Medicine); PubMed 29021349 (cited by Ambry Genetics); PubMed 30775854 (cited by Ambry Genetics); PubMed 36578016 (cited by Ambry Genetics); PubMed 25351510 (cited by Labcorp Genetics (formerly Invitae), Labcorp and Laboratory for Molecular Medicine, Mass General Brigham Personalized Medicine); PubMed 19574547 (cited by Labcorp Genetics (formerly Invitae), Labcorp).

NM_000256.3(MYBPC3):c.1359del (p.Val454fs)

Gene: MYBPC3 (myosin binding protein C3; minus strand). Cytogenetic location: 11p11.2.
Variant type: Deletion.
Coding change: c.1359del on transcript NM_000256.3 (MANE Select); coding-DNA position 1359, one base deleted (T; older notation c.1359delT).
Protein change: p.Val454fs; shifts the reading frame from valine 454.
Molecular consequence: frameshift variant.
Genome position (GRCh38, 1-based): chr11:47,342,928, A deleted on the plus strand (T on the coding strand, the reverse complement: MYBPC3 is on the minus strand). VCF-style (leftmost placement, unchanged base first): chr11-47342927-CA-C. GRCh37 (hg19) VCF-style: chr11-47364478-CA-C.
Other names: c.1359del, p.Val454fs (LRG_386t1); c.1359delT (NM_000256.3); short protein forms V454fs.
Identifiers: ClinVar variation 217835 (VCV000217835.13), dbSNP rs863225271, ClinGen allele CA279624.
Genomic context (GRCh38, chr11:47,342,927, plus strand): 5'-CAAACTCCACCCGCTGCCCCACCATCACCAGCTGGTCCTCCAAGGGGCGCGTGATGAGCA[CA>C]GGGGGCTCTGTCCAGGCAGGGTGAGCATGAGGGTTGGCTCCCCTGAGGCCATCTCCTCCC-3'